The following is an entry in ClinVar:

NM_000146.4(FTL):c.102G>A (p.Leu34=)

Gene: FTL (ferritin light chain; plus strand). Cytogenetic location: 19q13.33.
Variant type: single nucleotide variant.
Coding change: c.102G>A on transcript NM_000146.4 (MANE Select); coding-DNA position 102, G replaced by A.
Protein change: p.Leu34=; no amino-acid change (leucine 34 retained).
Molecular consequence: synonymous variant.
Genome position (GRCh38, 1-based): chr19:48,965,609, G>A. VCF-style: chr19-48965609-G-A. GRCh37 (hg19) VCF-style: chr19-49468866-G-A.
Identifiers: ClinVar variation 2929442 (VCV002929442.3), dbSNP rs2038442673, ClinGen allele CA508276632.
Genomic context (GRCh38, chr19:48,965,609, plus strand): 5'-GGCAGCCGTCAACAGCCTGGTCAATTTGTACCTGCAGGCCTCCTACACCTACCTCTCTCT[G>A]GTGAGTCCCCAGGACGCCCCTGGCCCTAATTTCCTCCAGCTGCGCACCTCCGGCCCTCAC-3'
Protein context (NP_000137.2, residues 24-44): YLQASYTYLS[Leu34=]GFYFDRDDVA

ClinVar aggregate classification (germline): Uncertain significance (1 of 4 stars; one submission).

Conditions:
Neuroferritinopathy (NBIA3). Also called: NEURODEGENERATION WITH BRAIN IRON ACCUMULATION 3; BASAL GANGLIA DISEASE, ADULT-ONSET. Identifiers: Orphanet 157846, MedGen C1853578, MONDO:0011638, OMIM 606159.
Hereditary hyperferritinemia with congenital cataracts. Also called: Hereditary hyperferritinemia cataract syndrome; Bonneau-Beaumont syndrome; HYPERFERRITINEMIA WITH OR WITHOUT CATARACT. Identifiers: Orphanet 163, MedGen C1833213, MONDO:0010952, OMIM 600886.

Allele frequency attached by ClinVar (database versions not stated): gnomAD exomes below 0.00001; TOPMed below 0.00001; gnomAD 0.00001.
gnomAD v4.1: 2 of 1,612,282 alleles (0.00012%); highest among the groups gnomAD compares: Admixed American, 0.0017%; no homozygotes.

Submission:

Labcorp Genetics (formerly Invitae), Labcorp
Classification: Uncertain significance for Neuroferritinopathy; Hereditary hyperferritinemia with congenital cataracts. Last evaluated: 2023-10-15. Review status: criteria provided, single submitter. Criteria: Invitae Variant Classification Sherloc (09022015). Collection method: clinical testing. Allele origin: germline.
Comment: This sequence change affects codon 34 of the FTL mRNA. It is a 'silent' change, meaning that it does not change the encoded amino acid sequence of the FTL protein. This variant also falls at the last nucleotide of exon 1, which is part of the consensus splice site for this exon. This variant is not present in population databases (gnomAD no frequency). This variant has not been reported in the literature in individuals affected with FTL-related conditions. Variants that disrupt the consensus splice site are a relatively common cause of aberrant splicing (PMID: 17576681, 9536098). Algorithms developed to predict the effect of sequence changes on RNA splicing suggest that this variant may create or strengthen a splice site. In summary, the available evidence is currently insufficient to determine the role of this variant in disease. Therefore, it has been classified as a Variant of Uncertain Significance.

Literature cited by the submitters: PubMed 17576681; PubMed 9536098.